The following is an entry in ClinVar:

ClinVar aggregate classification (germline): Uncertain significance. Review status: criteria provided, multiple submitters, no conflicts (2 of 4 stars). 2 submissions from 2 submitters: Uncertain significance (2). Last evaluated 2024-05-15.

Allele frequency attached by ClinVar (database versions not stated): gnomAD exomes below 0.00001; ExAC 0.00001.
gnomAD v4.1: 5 of 1,609,944 alleles (0.00031%); highest among the groups gnomAD compares: East Asian, 0.0089%; no homozygotes.

Submissions (2):

Labcorp Genetics (formerly Invitae), Labcorp
Classification: Uncertain significance. Last evaluated: 2024-05-15. Review status: criteria provided, single submitter. Criteria: Invitae Variant Classification Sherloc (09022015). Collection method: clinical testing. Allele origin: germline.
Comment: This sequence change replaces alanine, which is neutral and non-polar, with threonine, which is neutral and polar, at codon 29 of the MOCS3 protein (p.Ala29Thr). This variant is present in population databases (rs773090688, gnomAD 0.006%). This variant has not been reported in the literature in individuals affected with MOCS3-related conditions. Algorithms developed to predict the effect of missense changes on protein structure and function output the following: SIFT: "Not Available"; PolyPhen-2: "Benign"; Align-GVGD: "Not Available". The threonine amino acid residue is found in multiple mammalian species, which suggests that this missense change does not adversely affect protein function. In summary, the available evidence is currently insufficient to determine the role of this variant in disease. Therefore, it has been classified as a Variant of Uncertain Significance.

Ambry Genetics
Classification: Uncertain significance. Last evaluated: 2023-12-30. Review status: criteria provided, single submitter. Criteria: Ambry Variant Classification Scheme 2023. Collection method: clinical testing. Allele origin: germline.

NM_014484.5(MOCS3):c.85G>A (p.Ala29Thr)

Gene: MOCS3 (molybdenum cofactor synthesis 3; plus strand). Cytogenetic location: 20q13.13.
Variant type: single nucleotide variant.
Coding change: c.85G>A on transcript NM_014484.5 (MANE Select); coding-DNA position 85, G replaced by A.
Protein change: p.Ala29Thr; replaces alanine 29 with threonine.
Molecular consequence: missense variant.
Genome position (GRCh38, 1-based): chr20:50,958,927, G>A. VCF-style: chr20-50958927-G-A. GRCh37 (hg19) VCF-style: chr20-49575464-G-A.
Other names: c.85G>A (NM_014484.3); short protein forms A29T.
Identifiers: ClinVar variation 2739459 (VCV002739459.4), dbSNP rs773090688, ClinGen allele CA9909346.